The following is an entry in ClinVar:

NM_020922.5(WNK3):c.3938G>A (p.Arg1313Gln)

Gene: WNK3 (WNK lysine deficient protein kinase 3; minus strand). Cytogenetic location: Xp11.22.
Variant type: single nucleotide variant.
Coding change: c.3938G>A on transcript NM_020922.5 (MANE Select); coding-DNA position 3938, G replaced by A.
Protein change: p.Arg1313Gln; replaces arginine 1313 with glutamine.
Molecular consequence: missense variant.
Genome position (GRCh38, 1-based): chrX:54,238,418, C>T on the plus strand (G>A on the coding strand, the complement: WNK3 is on the minus strand). VCF-style: chrX-54238418-C-T. GRCh37 (hg19) VCF-style: chrX-54264851-C-T.
Other names: c.3797G>A, p.Arg1266Gln (NM_001002838.4, NM_001395166.1); short protein forms R1266Q, R1313Q.
Identifiers: ClinVar variation 1984120 (VCV001984120.4), dbSNP rs368509222, ClinGen allele CA329008826.

ClinVar aggregate classification (germline): Uncertain significance (1 of 4 stars; one submission).

Allele frequency attached by ClinVar (database versions not stated): gnomAD 0.00002; gnomAD exomes 0.00003; TOPMed 0.00003; ESP Exome Variant Server 0.00009.
gnomAD v4.1: 32 of 1,209,051 alleles (0.0026%); highest among the groups gnomAD compares: African/African-American, 0.0035%; no homozygotes.

Submission:

Labcorp Genetics (formerly Invitae), Labcorp
Classification: Uncertain significance. Last evaluated: 2022-10-12. Review status: criteria provided, single submitter. Criteria: Invitae Variant Classification Sherloc (09022015). Collection method: clinical testing. Allele origin: germline.
Comment: In summary, the available evidence is currently insufficient to determine the role of this variant in disease. Therefore, it has been classified as a Variant of Uncertain Significance. Algorithms developed to predict the effect of missense changes on protein structure and function output the following: SIFT: "Tolerated"; PolyPhen-2: "Benign"; Align-GVGD: "Class C0". The glutamine amino acid residue is found in multiple mammalian species, which suggests that this missense change does not adversely affect protein function. This variant has not been reported in the literature in individuals affected with WNK3-related conditions. This variant is not present in population databases (gnomAD no frequency). This sequence change replaces arginine, which is basic and polar, with glutamine, which is neutral and polar, at codon 1313 of the WNK3 protein (p.Arg1313Gln).